The following is an entry in ClinVar:

NM_000158.4(GBE1):c.956A>G (p.His319Arg)

Gene: GBE1 (1,4-alpha-glucan branching enzyme 1; minus strand). Cytogenetic location: 3p12.2.
Variant type: single nucleotide variant.
Coding change: c.956A>G on transcript NM_000158.4 (MANE Select); coding-DNA position 956, A replaced by G.
Protein change: p.His319Arg; replaces histidine 319 with arginine.
Molecular consequence: missense variant.
Genome position (GRCh38, 1-based): chr3:81,642,817, T>C on the plus strand (A>G on the coding strand, the complement: GBE1 is on the minus strand). VCF-style: chr3-81642817-T-C. GRCh37 (hg19) VCF-style: chr3-81691968-T-C.
Other names: NM_000158.4(GBE1):c.956A>G; p.His319Arg; short protein forms H319R.
Identifiers: ClinVar variation 843493 (VCV000843493.6), dbSNP rs1490328834, ClinGen allele CA353687211.

ClinVar aggregate classification (germline): Pathogenic/Likely pathogenic. Review status: criteria provided, multiple submitters, no conflicts (2 of 4 stars). 2 submissions from 2 submitters: Pathogenic (1); Likely pathogenic (1). Last evaluated 2025-05-31.

Conditions:
Glycogen storage disease, type IV (GSD4). Also called: AMYLOPECTINOSIS; ANDERSEN DISEASE; BRANCHER DEFICIENCY; CIRRHOSIS, FAMILIAL, WITH DEPOSITION OF ABNORMAL GLYCOGEN; GBE1 DEFICIENCY; GLYCOGEN BRANCHING ENZYME DEFICIENCY. Identifiers: Orphanet 367, MedGen C0017923, MONDO:0009292, OMIM 232500.
Glycogen storage disease IV, classic hepatic. Also called: GSD IV, CLASSIC HEPATIC. Identifiers: MedGen C1856301.

Allele frequency attached by ClinVar (database versions not stated): gnomAD exomes below 0.00001.
gnomAD v4.1: 2 of 1,613,028 alleles (0.00012%); highest among the groups gnomAD compares: Non-Finnish European, 0.000085%; no homozygotes.

Submissions (2):

Labcorp Genetics (formerly Invitae), Labcorp
Classification: Pathogenic for Glycogen storage disease, type IV; Glycogen storage disease IV, classic hepatic. Last evaluated: 2025-05-31. Review status: criteria provided, single submitter. Criteria: Invitae Variant Classification Sherloc (09022015). Collection method: clinical testing. Allele origin: germline.
Comment: This sequence change replaces histidine, which is basic and polar, with arginine, which is basic and polar, at codon 319 of the GBE1 protein (p.His319Arg). This variant is present in population databases (no rsID available, gnomAD 0.0009%). This missense change has been observed in individual(s) with GBE1-related disease (PMID: 23218673). In at least one individual the data is consistent with being in trans (on the opposite chromosome) from a pathogenic variant. It has also been observed to segregate with disease in related individuals. ClinVar contains an entry for this variant (Variation ID: 843493). Invitae Evidence Modeling of protein sequence and biophysical properties (such as structural, functional, and spatial information, amino acid conservation, physicochemical variation, residue mobility, and thermodynamic stability) indicates that this missense variant is expected to disrupt GBE1 protein function with a positive predictive value of 95%. This variant disrupts the p.His319 amino acid residue in GBE1. Other variant(s) that disrupt this residue have been observed in individuals with GBE1-related conditions (PMID: 23266647), which suggests that this may be a clinically significant amino acid residue. For these reasons, this variant has been classified as Pathogenic.

Broad Center for Mendelian Genomics, Broad Institute of MIT and Harvard
Classification: Likely pathogenic for Glycogen storage disease, type IV. Last evaluated: 2022-01-27. Review status: criteria provided, single submitter. Criteria: ACMG Guidelines, 2015. Collection method: curation. Allele origin: germline. Inheritance: Autosomal recessive inheritance.
Comment: The p.His319Arg variant in GBE1 has been reported in 1 individual, in the compound heterozygous state, with glycogen storage disease type IV (GSD IV) (PMID: 23218673), segregated with disease in 1 affected relative from the same family (PMID: 23218673), and has been identified in 0.0009% (1/112612) of European (non-Finnish) chromosomes by the Genome Aggregation Database (gnomAD; dbSNP ID: rs1490328834). Although this variant has been seen in the general population in a heterozygous state, its frequency is low enough to be consistent with a recessive carrier frequency. This variant has also been reported in ClinVar (Variation ID#: 843493) and has been interpreted as likely pathogenic by Invitae. Computational prediction tools and conservation analyses suggest that this variant may impact the protein, though this information is not predictive enough to determine pathogenicity. The phenotype of individuals compound heterozygous for this variant is highly specific for GSD IV based on strict biochemical investigations consistent with disease (PMID: 23218673). In summary, while there is some suspicion for a pathogenic role, the clinical significance of this variant is uncertain. In summary, although additional studies are required to fully establish its clinical significance, this variant is likely pathogenic for autosomal recessive GSD IV. ACMG/AMP Criteria applied: PP3, PM3, PP4, PM2 (Richards 2015).

Literature cited by the submitters: PubMed 23218673 (cited by Labcorp Genetics (formerly Invitae), Labcorp); PubMed 23266647 (cited by Labcorp Genetics (formerly Invitae), Labcorp).